The following is an entry in ClinVar:

NM_007294.4(BRCA1):c.4358-10C>T

Gene: BRCA1 (BRCA1 DNA repair associated; minus strand). Cytogenetic location: 17q21.31.
Variant type: single nucleotide variant.
Coding change: c.4358-10C>T on transcript NM_007294.4 (MANE Select); 10 bases into the intron before coding-DNA position 4358, C replaced by T.
Molecular consequence: intron variant.
Genome position (GRCh38, 1-based): chr17:43,076,624, G>A on the plus strand (C>T on the coding strand, the complement: BRCA1 is on the minus strand). VCF-style: chr17-43076624-G-A. GRCh37 (hg19) VCF-style: chr17-41228641-G-A.
Other names: IVS13-10C>T; p.?; c.4235-13C>T (NM_001407678.1, NM_001407939.1, NM_001407677.1 and 3 more transcripts); c.4235-10C>T (NM_001407666.1, NM_001407919.1, NM_001407937.1 and 6 more transcripts); c.932-10C>T (NM_001408418.1, NM_001408420.1, NM_001408419.1); c.1046-10C>T (NM_001407981.1, NM_001407986.1, NM_001407979.1 and 9 more transcripts); c.1049-13C>T (NM_007298.4, NM_001407993.1, NM_007299.4); c.1049-10C>T (NM_001407978.1, NM_001407977.1, NM_001407976.1 and 3 more transcripts); and 100 more.
Identifiers: ClinVar variation 125710 (VCV000125710.66), dbSNP rs80358111, ClinGen allele CA002796.
Genomic context (GRCh38, chr17:43,076,624, plus strand): 5'-CTGGATTCTGGCTTATAGGGTATTCACTACTTTTCTGTGAAGTTAATACTGCTTTAAATG[G>A]AATGAGAAAACAAATCTACTTTACTGCTTTGTTCTGATAGTGATAATTCAGGTTAGAATA-3'

ClinVar aggregate classification (germline): Benign/Likely benign. Review status: criteria provided, multiple submitters, no conflicts (2 of 4 stars). 24 submissions from 24 submitters: Benign (7); Likely benign (11). 6 of the submissions do not count toward it. Last evaluated 2026-01-30.

Conditions:
Inherited ovarian cancer (without breast cancer).
Breast and/or ovarian cancer. Identifiers: MedGen CN221562.
Hereditary cancer-predisposing syndrome. Also called: Tumor predisposition; Hereditary neoplastic syndrome; Neoplastic Syndromes, Hereditary; Hereditary Cancer Syndrome. Identifiers: Orphanet 140162, MedGen C0027672, MeSH D009386, MONDO:0015356.
Hereditary breast ovarian cancer syndrome. Also called: Hereditary breast and ovarian cancer syndrome (HBOC); Hereditary breast and ovarian cancer; Hereditary breast and ovarian cancer syndrome; Breast and ovarian cancer; Hereditary breast and/or ovarian cancer syndrome; BRCA1- and BRCA2-Associated Hereditary Breast and Ovarian Cancer. Identifiers: Orphanet 145, MedGen C0677776, MeSH D061325, MONDO:0003582. Disease mechanism: loss of function.
Breast-ovarian cancer, familial, susceptibility to, 1 (BROVCA1). Also called: BRCA1 Hereditary Breast and Ovarian Cancer; OVARIAN CANCER, SUSCEPTIBILITY TO. Identifiers: Orphanet 145, MedGen C2676676, MONDO:0011450, OMIM 604370. Disease mechanism: loss of function.

Allele frequency attached by ClinVar (database versions not stated): ExAC 0.00023; gnomAD 0.00023 and 0.00024; gnomAD exomes 0.00024 and 0.00032; TOPMed 0.00027; 1000 Genomes Project 0.00040; 1000 Genomes Project 30x 0.00047.
gnomAD v4.1: 390 of 1,612,410 alleles (0.024%); highest among the groups gnomAD compares: Admixed American, 0.11%; no homozygotes.

Submissions (24):

Cambridge Genomics Laboratory, East Genomic Laboratory Hub, NHS Genomic Medicine Service
Classification: Likely benign for Inherited ovarian cancer (without breast cancer). Last evaluated: 2026-01-30. Review status: criteria provided, single submitter. Criteria: ACGS Best Practice Guidelines for Variant Classification in Rare Disease 2020. Collection method: clinical testing. Allele origin: germline. Affected: yes.
Comment: BS1_Strong,BP4

Labcorp Genetics (formerly Invitae), Labcorp
Classification: Benign for Hereditary breast ovarian cancer syndrome. Last evaluated: 2026-01-30. Review status: criteria provided, single submitter. Criteria: Invitae Variant Classification Sherloc (09022015). Collection method: clinical testing. Allele origin: germline.

ARUP Laboratories, Molecular Genetics and Genomics, ARUP Laboratories
Classification: Benign. Last evaluated: 2025-04-25. Review status: criteria provided, single submitter. Criteria: ARUP Molecular Germline Variant Investigation Process 2024. Collection method: clinical testing. Allele origin: germline.

Catlab - Consorci Sanitari de Terrassa
Classification: Likely benign for Hereditary cancer-predisposing syndrome. Last evaluated: 2025-04-10. Review status: criteria provided, single submitter. Criteria: ClinGen BRCA1BRCA2 ACMG Specifications BRCA1 V1.2.0. Collection method: clinical testing. Allele origin: germline.
Comment: Based on the currently available information, this variant is classified as Likely Benign according to ClinGen-BRCA1 v1.2.0 guidelines. ACMG criteria: BS1, BP4.

Center for Genomic Medicine, Rigshospitalet, Copenhagen University Hospital
Classification: Likely benign. Last evaluated: 2025-03-04. Review status: criteria provided, single submitter. Criteria: ACMG Guidelines, 2015. Collection method: clinical testing. Allele origin: germline.

CeGaT Center for Human Genetics Tuebingen
Classification: Likely benign. Last evaluated: 2024-11-01. Review status: criteria provided, single submitter. Criteria: CeGaT Center For Human Genetics Tuebingen Variant Classification Criteria Version 2. Collection method: clinical testing. Allele origin: germline. Affected: yes. Observed: 1 variant allele.
Comment: BRCA1: BP4

Blueprint Genetics
Classification: Likely benign. Last evaluated: 2024-09-10. Review status: criteria provided, single submitter. Criteria: ACMG Guidelines, 2015. Collection method: clinical testing. Allele origin: germline.

Institute for Biomarker Research, Medical Diagnostic Laboratories, L.L.C.
Classification: Benign for Hereditary breast ovarian cancer syndrome. Last evaluated: 2023-04-11. Review status: criteria provided, single submitter. Criteria: ACMG Guidelines, 2015. Collection method: clinical testing. Allele origin: germline.

CHEO Genetics Diagnostic Laboratory, Children's Hospital of Eastern Ontario
Classification: Likely benign for Breast and/or ovarian cancer. Last evaluated: 2021-08-09. Review status: criteria provided, single submitter. Criteria: ACMG Guidelines, 2015. Collection method: clinical testing. Allele origin: germline.

Genetic Services Laboratory, University of Chicago
Classification: Likely benign. Last evaluated: 2021-02-26. Review status: criteria provided, single submitter. Criteria: ACMG Guidelines, 2015. Collection method: clinical testing. Allele origin: germline. Affected: no.

Sema4
Classification: Likely benign for Hereditary cancer-predisposing syndrome. Last evaluated: 2021-01-31. Review status: criteria provided, single submitter. Criteria: Sema4 Curation Guidelines. Collection method: curation. Allele origin: germline.

Mendelics
Classification: Likely benign for Breast-ovarian cancer, familial, susceptibility to, 1. Last evaluated: 2019-05-28. Review status: criteria provided, single submitter. Criteria: Mendelics Assertion Criteria 2017. Collection method: clinical testing. Allele origin: unknown.

Mayo Clinic Laboratories, Mayo Clinic
Classification: Benign. Last evaluated: 2019-02-11. Review status: criteria provided, single submitter. Criteria: ACMG Guidelines, 2015. Collection method: clinical testing. Allele origin: germline. Observed: 2 variant alleles.

PreventionGenetics, part of Exact Sciences
Classification: Likely benign. Last evaluated: 2018-01-02. Review status: criteria provided, single submitter. Criteria: ACMG Guidelines, 2015. Collection method: clinical testing. Allele origin: germline.

Illumina Laboratory Services, Illumina
Classification: Likely benign for Breast-ovarian cancer, familial, susceptibility to, 1. Last evaluated: 2017-04-28. Review status: criteria provided, single submitter. Criteria: ICSL Variant Classification Criteria 13 December 2019. Collection method: clinical testing. Allele origin: germline.
Comment: This variant was observed as part of a predisposition screen in an ostensibly healthy population. A literature search was performed for the gene, cDNA change, and amino acid change (where applicable). Publications were found based on this search. The evidence from the literature, in combination with allele frequency data from public databases where available, was sufficient to determine this variant is unlikely to cause disease. Therefore, this variant is classified as likely benign.

Women's Health and Genetics/Laboratory Corporation of America, LabCorp
Classification: Benign. Last evaluated: 2016-03-28. Review status: criteria provided, single submitter. Criteria: LabCorp Variant Classification Summary - May 2015. Collection method: clinical testing. Allele origin: germline.
Comment: Variant Summary: The c.4358-10C>T variant involves the alteration of a non-conserved nucleotide resulting in an intronic change. 5/5 in silico tools via Alamut predict no significant effect on splicing and an in vitro assay showed evidence that the variant does not affect splicing (Houdayer_2012). The variant was observed in the large and broad cohorts of the ExAC project at an allele frequency of 0.023%, predominantly in individuals of Europeand and Latino origin (0.035%). The variant has been reported to co-occur with a different deleterious BRCA1/2 variants suggesting a non-pathogenic nature of this variant. Additionally, the variant has been reported in the homozygous state further supporting neutrality. Lastly, several reputable databases and clinical diagnostic labs have classifed the variant as "Benign". Taken together, this variant has been classified as Benign.

Color Diagnostics, LLC DBA Color Health
Classification: Benign for Hereditary cancer-predisposing syndrome. Last evaluated: 2015-10-21. Review status: criteria provided, single submitter. Criteria: ACMG Guidelines, 2015. Collection method: clinical testing. Allele origin: germline.

GeneDx
Classification: Benign. Last evaluated: 2014-08-04. Review status: criteria provided, single submitter. Criteria: GeneDx Variant Classification (06012015). Collection method: clinical testing. Allele origin: germline. Affected: yes.
Comment: This variant is considered likely benign or benign based on one or more of the following criteria: it is a conservative change, it occurs at a poorly conserved position in the protein, it is predicted to be benign by multiple in silico algorithms, and/or has population frequency not consistent with disease.

Hereditary Cancer Genetics group, Vall d'Hebron Institute of Oncology
Classification: Benign for Hereditary breast and ovarian cancer syndrome. Last evaluated: 2019-03-01. Review status: no assertion criteria provided. Collection method: research. Allele origin: germline. Affected: yes. Not counted in ClinVar's aggregate classification.

Counsyl
Classification: Likely benign for Breast-ovarian cancer, familial 1. Last evaluated: 2014-10-31. Review status: no assertion criteria provided. Collection method: literature only. Allele origin: unknown. Inheritance: Autosomal dominant inheritance. Not counted in ClinVar's aggregate classification.

Breast Cancer Information Core (BIC) (BRCA1)
Classification: Benign for Breast-ovarian cancer, familial 1. Last evaluated: 2002-05-29. Review status: no assertion criteria provided. Collection method: clinical testing. Allele origin: germline. Affected: yes. Observed: 25 variant alleles. Not counted in ClinVar's aggregate classification.

Clinical Genetics DNA and cytogenetics Diagnostics Lab, Erasmus MC, Erasmus Medical Center
Classification: Benign. Review status: no assertion criteria provided. Collection method: clinical testing. Allele origin: germline. Affected: yes. Study: VKGL Data-share Consensus. Not counted in ClinVar's aggregate classification.

Department of Pathology and Laboratory Medicine, Sinai Health System
Classification: Benign. Review status: no assertion criteria provided. Collection method: clinical testing. Allele origin: unknown. Affected: yes. Observed: 1 variant allele. Study: The Canadian Open Genetics Repository (COGR). Not counted in ClinVar's aggregate classification.
Comment: The BRCA1 c.4358-10C>T variant was identified in 7 of 5548 proband chromosomes from individuals with breast or ovarian cancer and was not identified in 200 control chromosomes from these studies (Borg 2010, Diez 2003, Konstantopoulou 2008). This variant was also identified in the following databases: dbSNP (ID: rs80358111) â€šÃ„ÃºWith untested alleleâ€šÃ„Ã¹, LOVD, UMD (14X as a neutral variant), and BIC (25X with no clinical importance). In UMD, this variant was twice reported to co-occur with known pathogenic mutations (BRCA1 c.4195_4196delAC (p.Thr1399HisfsX4) and BRCA2 c.IVS12+594T>G (c.6937+594T>G)), increasing the likelihood that it does not have clinical significance. Furthermore, Judkins (2005) identified the c.4358-10C>T variant residing in trans with a known deleterious mutation in BRCA1, and Konstantopoulou (2008) identified the variant in a homozygous state in one individual, suggesting that this variant is not associated with disease as there is strong evidence that biallelic BRCA1 deleterious mutations result in embryonic lethality. The variant is located in the 3' splice region but does not affect the invariant -1 and -2 positions; however, positions -3 and -5 to -12 are part of the splicing consensus sequence and variants involving these positions sometimes affect splicing. In-silico or computational prediction software (SpliceSiteFinder, MaxEntScan, NNSPLICE, GeneSplicer, HumanSpliceFinder) does not predict any change in splicing for this variant but this information is not very predictive of pathogenicity. In summary, based on the above information, this variant meets our laboratory's criteria to be classified as benign.

Joint Genome Diagnostic Labs from Nijmegen and Maastricht, Radboudumc and MUMC+
Classification: Benign. Review status: no assertion criteria provided. Collection method: clinical testing. Allele origin: germline. Affected: yes. Study: VKGL Data-share Consensus. Not counted in ClinVar's aggregate classification.

Literature cited by the submitters: PubMed 17453335 (cited by 3 submitters); PubMed 20104584 (cited by 3 submitters); PubMed 16267036 (cited by 3 submitters); PubMed 16030099 (cited by Illumina Laboratory Services, Illumina and Counsyl); PubMed 16758124 (cited by Women's Health and Genetics/Laboratory Corporation of America, LabCorp); PubMed 22505045 (cited by Women's Health and Genetics/Laboratory Corporation of America, LabCorp); PubMed 12955716 (cited by Women's Health and Genetics/Laboratory Corporation of America, LabCorp and Counsyl); PubMed 30472649 (cited by Hereditary Cancer Genetics group, Vall d'Hebron Institute of Oncology).